The following is an entry in ClinVar:

ClinVar aggregate classification (germline): Uncertain significance. Review status: criteria provided, multiple submitters, no conflicts (2 of 4 stars). 2 submissions from 2 submitters: Uncertain significance (2). Last evaluated 2026-03-02.

Conditions:
PLN-related disorder. Also called: PLN-related condition.
Dilated cardiomyopathy 1P (CMD1P). Identifiers: Orphanet 154, MedGen C1835928, MONDO:0012362, OMIM 609909.

Allele frequency attached by ClinVar (database versions not stated): gnomAD exomes below 0.00001; ExAC 0.00001; gnomAD 0.00001 and 0.00002; TOPMed 0.00002; 1000 Genomes Project 0.00020; 1000 Genomes Project 30x 0.00031.
gnomAD v4.1: 3 of 1,611,212 alleles (0.00019%); highest among the groups gnomAD compares: African/African-American, 0.004%; no homozygotes.

Submissions (2):

PreventionGenetics, part of Exact Sciences
Classification: Uncertain significance for PLN-related condition. Last evaluated: 2026-03-02. Review status: criteria provided, single submitter. Criteria: ACMG Guidelines, 2015. Collection method: clinical testing. Allele origin: germline.
Comment: The PLN c.141C>G variant is predicted to result in the amino acid substitution p.Ile47Met. To our knowledge, this variant has not been reported in the literature. This variant is reported in 0.0062% of alleles in individuals of African descent in gnomAD. At this time, the clinical significance of this variant is uncertain due to the absence of conclusive functional and genetic evidence.

Labcorp Genetics (formerly Invitae), Labcorp
Classification: Uncertain significance for Dilated cardiomyopathy 1P. Last evaluated: 2025-07-13. Review status: criteria provided, single submitter. Criteria: Invitae Variant Classification Sherloc (09022015). Collection method: clinical testing. Allele origin: germline.
Comment: This sequence change replaces isoleucine, which is neutral and non-polar, with methionine, which is neutral and non-polar, at codon 47 of the PLN protein (p.Ile47Met). This variant is present in population databases (rs552078051, gnomAD 0.007%). This variant has not been reported in the literature in individuals affected with PLN-related conditions. ClinVar contains an entry for this variant (Variation ID: 1399599). An algorithm developed to predict the effect of missense changes on protein structure and function (PolyPhen-2) suggests that this variant is likely to be disruptive. In summary, the available evidence is currently insufficient to determine the role of this variant in disease. Therefore, it has been classified as a Variant of Uncertain Significance.

NM_002667.5(PLN):c.141C>G (p.Ile47Met)

Genes: CEP85L (centrosomal protein 85L; minus strand), PLN (phospholamban; plus strand). Cytogenetic location: 6q22.31.
Variant type: single nucleotide variant.
Coding change: c.141C>G on transcript NM_002667.5 (MANE Select); coding-DNA position 141, C replaced by G.
Protein change: p.Ile47Met; replaces isoleucine 47 with methionine.
Molecular consequence: missense variant. On other transcripts: intron variant (3).
Genome position (GRCh38, 1-based): chr6:118,559,062, C>G. VCF-style: chr6-118559062-C-G. GRCh37 (hg19) VCF-style: chr6-118880225-C-G.
Other names: c.1029+6467G>C (NM_001178035.2); c.1020+6467G>C (NM_001042475.3, NM_206921.3); c.141C>G (NM_002667.4); short protein forms I47M.
Identifiers: ClinVar variation 1399599 (VCV001399599.9), dbSNP rs552078051, ClinGen allele CA3977976.
Genomic context (GRCh38, chr6:118,559,062, plus strand): 5'-GCTACAGAATCTATTTATCAATTTCTGTCTCATCTTAATATGTCTCTTGCTGATCTGTAT[C>G]ATCGTGATGCTTCTCTGAAGTTCTGCTACAACCTCTAGATCTGCAGCTTGCCACATCAGC-3'
Protein context (NP_002658.1, residues 37-52): LILICLLLIC[Ile47Met]IVMLL